The following is an entry in ClinVar:

ClinVar aggregate classification (germline): Conflicting classifications of pathogenicity. Review status: criteria provided, conflicting classifications (1 of 4 stars). 5 submissions from 5 submitters: Likely pathogenic (1); Uncertain significance (4). Last evaluated 2025-09-09.

Conditions:
Ovarian cancer. Also called: OVARIAN CANCER, SOMATIC. Identifiers: Orphanet 213500, MedGen C1140680, MONDO:0008170, OMIM 167000.
Hereditary cancer-predisposing syndrome. Also called: Tumor predisposition; Neoplastic Syndromes, Hereditary; Hereditary neoplastic syndrome; Hereditary Cancer Syndrome. Identifiers: Orphanet 140162, MedGen C0027672, MeSH D009386, MONDO:0015356.
Retinoblastoma (RB1). Also called: RETINOBLASTOMA, SOMATIC. Identifiers: Orphanet 790, MedGen C0035335, MeSH D012175, MONDO:0008380, OMIM 180200, HP:0009919. Disease mechanism: loss of function. Inheritance: Both sporadic and heritable forms are tested..

Allele frequency attached by ClinVar (database versions not stated): gnomAD exomes below 0.00001.
gnomAD v4.1: 1 of 1,607,144 alleles (0.000062%); highest among the groups gnomAD compares: East Asian, 0.0022%; no homozygotes.

Submissions (5):

Labcorp Genetics (formerly Invitae), Labcorp
Classification: Uncertain significance for Retinoblastoma. Last evaluated: 2025-09-09. Review status: criteria provided, single submitter. Criteria: Invitae Variant Classification Sherloc (09022015). Collection method: clinical testing. Allele origin: germline.
Comment: This sequence change replaces aspartic acid, which is acidic and polar, with histidine, which is basic and polar, at codon 507 of the RB1 protein (p.Asp507His). This variant is not present in population databases (gnomAD no frequency). This variant has not been reported in the literature in individuals affected with RB1-related conditions. ClinVar contains an entry for this variant (Variation ID: 1517078). Invitae Evidence Modeling of protein sequence and biophysical properties (such as structural, functional, and spatial information, amino acid conservation, physicochemical variation, residue mobility, and thermodynamic stability) has been performed for this missense variant. However, the output from this modeling did not meet the statistical confidence thresholds required to predict the impact of this variant on RB1 protein function. In summary, the available evidence is currently insufficient to determine the role of this variant in disease. Therefore, it has been classified as a Variant of Uncertain Significance.

Ambry Genetics
Classification: Uncertain significance for Hereditary cancer-predisposing syndrome. Last evaluated: 2025-03-17. Review status: criteria provided, single submitter. Criteria: Ambry Variant Classification Scheme 2023. Collection method: clinical testing. Allele origin: germline.
Comment: The p.D507H variant (also known as c.1519G>C), located in coding exon 17 of the RB1 gene, results from a G to C substitution at nucleotide position 1519. The aspartic acid at codon 507 is replaced by histidine, an amino acid with similar properties. This amino acid position is conserved. In addition, the in silico prediction for this alteration is inconclusive. Since supporting evidence is limited at this time, the clinical significance of this alteration remains unclear.

All of Us Research Program, National Institutes of Health
Classification: Uncertain significance for Retinoblastoma. Last evaluated: 2024-05-17. Review status: criteria provided, single submitter. Criteria: ACMG Guidelines, 2015. Collection method: clinical testing. Allele origin: germline. Inheritance: Autosomal dominant inheritance. Observed: 1 variant allele, 1 heterozygote.
Comment: This study involves interpretation of variants in research participants for the purpose of population health screening. Participant phenotype was not available at the time of variant classification. Additional details can be found in publication PMID: 35346344, PMCID: PMC8962531

Laboratory of Molecular Epidemiology of Birth Defects, West China Second University Hospital, Sichuan University
Classification: Likely pathogenic for Ovarian cancer. Last evaluated: 2022-01-01. Review status: criteria provided, single submitter. Criteria: ACMG Guidelines, 2015. Collection method: clinical testing. Allele origin: germline. Affected: yes.

Sema4
Classification: Uncertain significance for Hereditary cancer-predisposing syndrome. Last evaluated: 2021-12-08. Review status: criteria provided, single submitter. Criteria: Sema4 Curation Guidelines. Collection method: curation. Allele origin: germline.
Comment: The RB1 c.1519G>C (p.D507H) variant has not been reported in the literature to our knowledge. It was not observed in the large and broad cohorts of the Genome Aggregation Database (PMID: 32461654), and has not been reported in ClinVar. Functional studies have not been performed, and in silico predictions of the variant's effect on protein function are inconclusive. The evidence is insufficient to meet ACMG/AMP criteria for classifying the variant as benign or pathogenic. Thus, the clinical significance of this variant is currently uncertain.

NM_000321.3(RB1):c.1519G>C (p.Asp507His)

Gene: RB1 (RB transcriptional corepressor 1; plus strand). Cytogenetic location: 13q14.2.
Variant type: single nucleotide variant.
Coding change: c.1519G>C on transcript NM_000321.3 (MANE Select); coding-DNA position 1519, G replaced by C.
Protein change: p.Asp507His; replaces aspartic acid 507 with histidine.
Molecular consequence: missense variant.
Genome position (GRCh38, 1-based): chr13:48,381,267, G>C. VCF-style: chr13-48381267-G-C. GRCh37 (hg19) VCF-style: chr13-48955403-G-C.
Other names: short protein forms D507H.
Identifiers: ClinVar variation 1517078 (VCV001517078.14), dbSNP rs2138144909, ClinGen allele CA388163333.